The following is an entry in ClinVar:

NM_004385.5(VCAN):c.8570C>T (p.Ser2857Phe)

Genes: VCAN (versican; plus strand), VCAN-AS1 (VCAN antisense RNA 1; minus strand). Cytogenetic location: 5q14.3.
Variant type: single nucleotide variant.
Coding change: c.8570C>T on transcript NM_004385.5 (MANE Select); coding-DNA position 8570, C replaced by T.
Protein change: p.Ser2857Phe; replaces serine 2857 with phenylalanine.
Molecular consequence: missense variant. On other transcripts: intron variant (2).
Genome position (GRCh38, 1-based): chr5:83,541,573, C>T. VCF-style: chr5-83541573-C-T. GRCh37 (hg19) VCF-style: chr5-82837392-C-T.
Other names: c.5609C>T, p.Ser1870Phe (NM_001164097.2); c.4004-3964C>T (NM_001164098.2); c.1043-3964C>T (NM_001126336.3); short protein forms S1870F, S2857F.
Identifiers: ClinVar variation 4764630 (VCV004764630.2).
Genomic context (GRCh38, chr5:83,541,573, plus strand): 5'-CCTCTGGACACACAGAGATCCCCCAGCCCAGTGCTCTGCCAGGAATAGACGTCGGCTCAT[C>T]TGTAATGTCCCCACAGGATTCTTTTAAGGAAATTCATGTAAATATTGAAGCGACTTTCAA-3'
Protein context (NP_004376.2, residues 2847-2867): SALPGIDVGS[Ser2857Phe]VMSPQDSFKE

ClinVar aggregate classification (germline): Uncertain significance. Review status: criteria provided, multiple submitters, no conflicts (2 of 4 stars). 2 submissions from 2 submitters: Uncertain significance (2). Last evaluated 2025-03-18.

Submissions (2):

Labcorp Genetics (formerly Invitae), Labcorp
Classification: Uncertain significance. Last evaluated: 2025-03-18. Review status: criteria provided, single submitter. Criteria: Invitae Variant Classification Sherloc (09022015). Collection method: clinical testing. Allele origin: germline.
Comment: This sequence change replaces serine, which is neutral and polar, with phenylalanine, which is neutral and non-polar, at codon 2857 of the VCAN protein (p.Ser2857Phe). This variant is not present in population databases (gnomAD no frequency). This variant has not been reported in the literature in individuals affected with VCAN-related conditions. An algorithm developed to predict the effect of missense changes on protein structure and function (PolyPhen-2) suggests that this variant is likely to be tolerated. In summary, the available evidence is currently insufficient to determine the role of this variant in disease. Therefore, it has been classified as a Variant of Uncertain Significance.

Blueprint Genetics
Classification: Uncertain significance. Last evaluated: 2019-12-11. Review status: criteria provided, single submitter. Criteria: ACMG Guidelines, 2015. Collection method: clinical testing. Allele origin: germline.